The following is an entry in ClinVar:

NM_018136.5(ASPM):c.2585del (p.Ala862fs)

Gene: ASPM (assembly factor for spindle microtubules; minus strand). Cytogenetic location: 1q31.3.
Variant type: Deletion.
Coding change: c.2585del on transcript NM_018136.5 (MANE Select); coding-DNA position 2585, one base deleted (C; older notation c.2585delC).
Protein change: p.Ala862fs; shifts the reading frame from alanine 862.
Molecular consequence: frameshift variant.
Genome position (GRCh38, 1-based): chr1:197,129,959, G deleted on the plus strand (C on the coding strand, the reverse complement: ASPM is on the minus strand). VCF-style (leftmost placement, unchanged base first): chr1-197129958-TG-T. GRCh37 (hg19) VCF-style: chr1-197099088-TG-T.
Other names: c.2585del, p.Ala862fs (NM_001206846.2); short protein forms A862fs.
Identifiers: ClinVar variation 4716361 (VCV004716361.1).

ClinVar aggregate classification (germline): Pathogenic (1 of 4 stars; one submission).

Submission:

Labcorp Genetics (formerly Invitae), Labcorp
Classification: Pathogenic. Last evaluated: 2025-04-11. Review status: criteria provided, single submitter. Criteria: Invitae Variant Classification Sherloc (09022015). Collection method: clinical testing. Allele origin: germline.
Comment: This sequence change creates a premature translational stop signal (p.Ala862Glufs*26) in the ASPM gene. It is expected to result in an absent or disrupted protein product. Loss-of-function variants in ASPM are known to be pathogenic (PMID: 19028728, 23611254). This variant is not present in population databases (gnomAD no frequency). This variant has not been reported in the literature in individuals affected with ASPM-related conditions. For these reasons, this variant has been classified as Pathogenic.

Literature cited by the submitters: PubMed 19028728; PubMed 23611254.